The following is an entry in ClinVar:

ClinVar aggregate classification (germline): Uncertain significance. Review status: criteria provided, multiple submitters, no conflicts (2 of 4 stars). 3 submissions from 3 submitters: Uncertain significance (3). Last evaluated 2025-06-25.

Conditions:
Inborn genetic diseases. Identifiers: MedGen C0950123, MeSH D030342.

gnomAD v4.1: 5 of 1,613,588 alleles (0.00031%); no homozygotes.

Submissions (3):

Labcorp Genetics (formerly Invitae), Labcorp
Classification: Uncertain significance. Last evaluated: 2025-06-25. Review status: criteria provided, single submitter. Criteria: Invitae Variant Classification Sherloc (09022015). Collection method: clinical testing. Allele origin: germline.
Comment: This sequence change replaces leucine, which is neutral and non-polar, with phenylalanine, which is neutral and non-polar, at codon 1641 of the TUBGCP6 protein (p.Leu1641Phe). This variant is not present in population databases (gnomAD no frequency). This variant has not been reported in the literature in individuals affected with TUBGCP6-related conditions. ClinVar contains an entry for this variant (Variation ID: 3330254). An algorithm developed to predict the effect of missense changes on protein structure and function (PolyPhen-2) suggests that this variant is likely to be disruptive. In summary, the available evidence is currently insufficient to determine the role of this variant in disease. Therefore, it has been classified as a Variant of Uncertain Significance.

Ambry Genetics
Classification: Uncertain significance for Inborn genetic diseases. Last evaluated: 2024-04-01. Review status: criteria provided, single submitter. Criteria: Ambry Variant Classification Scheme 2023. Collection method: clinical testing. Allele origin: germline.

Blueprint Genetics
Classification: Uncertain significance. Last evaluated: 2023-04-11. Review status: criteria provided, single submitter. Criteria: ACMG Guidelines, 2015. Collection method: clinical testing. Allele origin: germline.

NM_020461.4(TUBGCP6):c.4921C>T (p.Leu1641Phe)

Gene: TUBGCP6 (tubulin gamma complex component 6; minus strand). Cytogenetic location: 22q13.33.
Variant type: single nucleotide variant.
Coding change: c.4921C>T on transcript NM_020461.4 (MANE Select); coding-DNA position 4921, C replaced by T.
Protein change: p.Leu1641Phe; replaces leucine 1641 with phenylalanine.
Molecular consequence: missense variant.
Genome position (GRCh38, 1-based): chr22:50,218,521, G>A on the plus strand (C>T on the coding strand, the complement: TUBGCP6 is on the minus strand). VCF-style: chr22-50218521-G-A. GRCh37 (hg19) VCF-style: chr22-50656950-G-A.
Other names: short protein forms L1641F.
Identifiers: ClinVar variation 3330254 (VCV003330254.3).